The following is an entry in ClinVar:

ClinVar aggregate classification (germline): Likely benign. Review status: criteria provided, multiple submitters, no conflicts (2 of 4 stars). 2 submissions from 2 submitters: Likely benign (2). Last evaluated 2018-06-14.

Allele frequency attached by ClinVar (database versions not stated): gnomAD 0.01231 and 0.01537; gnomAD exomes 0.01301; TOPMed 0.01607; 1000 Genomes Project 0.04313; 1000 Genomes Project 30x 0.04357.
gnomAD v4.1: 13,957 of 1,042,316 alleles (1.3%); highest among the groups gnomAD compares: South Asian, 8.3%; 499 homozygotes.

Submissions (2):

GeneDx
Classification: Likely benign. Last evaluated: 2018-06-14. Review status: criteria provided, single submitter. Criteria: GeneDx Variant Classification (06012015). Collection method: clinical testing. Allele origin: germline. Affected: yes.
Comment: This variant is considered likely benign or benign based on one or more of the following criteria: it is a conservative change, it occurs at a poorly conserved position in the protein, it is predicted to be benign by multiple in silico algorithms, and/or has population frequency not consistent with disease.

Breakthrough Genomics
Classification: Likely benign. Review status: criteria provided, single submitter. Criteria: ACMG Guidelines, 2015. Collection method: not provided. Allele origin: germline. Inheritance: Autosomal dominant inheritance. Affected: yes.

NM_000393.5(COL5A2):c.457-59G>A

Gene: COL5A2 (collagen type V alpha 2 chain; minus strand). Cytogenetic location: 2q32.2.
Variant type: single nucleotide variant.
Coding change: c.457-59G>A on transcript NM_000393.5 (MANE Select); 59 bases into the intron before coding-DNA position 457, G replaced by A.
Molecular consequence: intron variant.
Genome position (GRCh38, 1-based): chr2:189,092,479, C>T on the plus strand (G>A on the coding strand, the complement: COL5A2 is on the minus strand). VCF-style: chr2-189092479-C-T. GRCh37 (hg19) VCF-style: chr2-189957205-C-T.
Identifiers: ClinVar variation 674322 (VCV000674322.2), dbSNP rs79251854, ClinGen allele CA62571351.
Genomic context (GRCh38, chr2:189,092,479, plus strand): 5'-CCCTGGAAAACAAGCCAGTTAAAATTAGAACCCACTGCCAAATATACACTTAGTAGAAAG[C>T]TAAAGGCACAGACTTCTTAATGGCAAGGGAGTGTTTATTATTTTAAAAATACATGGCAAT-3'